The following is an entry in ClinVar:

ClinVar aggregate classification (germline): Pathogenic/Likely pathogenic. Review status: criteria provided, multiple submitters, no conflicts (2 of 4 stars). 2 submissions from 2 submitters: Pathogenic (1); Likely pathogenic (1). Last evaluated 2024-10-11.

Conditions:
Retinitis pigmentosa 25 (RP25). Identifiers: Orphanet 791, MedGen C1864446, MONDO:0011272, OMIM 602772.

gnomAD v4.1: 1 of 1,551,352 alleles (0.000064%); no homozygotes.

Submissions (2):

Myriad Genetics, Inc.
Classification: Pathogenic for Retinitis pigmentosa 25. Last evaluated: 2024-10-11. Review status: criteria provided, single submitter. Criteria: Myriad Autosomal Dominant, Autosomal Recessive and X-Linked Classification Criteria (2023). Collection method: clinical testing. Allele origin: unknown.
Comment: NM_001142800.1(EYS):c.4532C>G(S1511*) is expected to be pathogenic in the context of retinitis pigmentosa, EYS-related. This variant is predicted to lead to an abnormal or absent protein product due to the creation of a premature termination codon in EYS, a gene where loss-of-function variants are known to be pathogenic. Please note: this variant was assessed in the context of healthy population screening.

Neuberg Centre For Genomic Medicine, NCGM
Classification: Likely pathogenic for Retinitis pigmentosa 25. Review status: criteria provided, single submitter. Criteria: ACMG Guidelines, 2015. Collection method: clinical testing. Allele origin: germline. Affected: yes.
Comment: The stop gained p.S1511Ter in EYS (NM_001142800.1) has not been reported previously as a pathogenic variant nor as a benign variant, to our knowledge. The p.S1511Ter variant is novel (not in any individuals) in gnomAD Exomes and is novel (not in any individuals) in 1000 Genomes. This variant is predicted to cause loss of normal protein function through protein truncation. Loss of function variants have been previously reported to be disease causing. For these reasons, this variant has been classified as Likely Pathogenic.

NM_001142800.2(EYS):c.4532C>G (p.Ser1511Ter)

Gene: EYS (EGF-like photoreceptor maintenance factor; minus strand). Cytogenetic location: 6q12.
Variant type: single nucleotide variant.
Coding change: c.4532C>G on transcript NM_001142800.2 (MANE Select); coding-DNA position 4532, C replaced by G.
Protein change: p.Ser1511Ter; replaces serine 1511 with a stop codon.
Molecular consequence: nonsense.
Genome position (GRCh38, 1-based): chr6:64,591,335, G>C on the plus strand (C>G on the coding strand, the complement: EYS is on the minus strand). VCF-style: chr6-64591335-G-C. GRCh37 (hg19) VCF-style: chr6-65301228-G-C.
Other names: c.4532C>G, p.Ser1511Ter (NM_001292009.2); short protein forms S1511*.
Identifiers: ClinVar variation 1339023 (VCV001339023.3), dbSNP rs2149832027, ClinGen allele CA364783116.